The following is an entry in ClinVar:

NM_005188.4(CBL):c.388A>G (p.Ile130Val)

Gene: CBL (Cbl proto-oncogene; plus strand). Cytogenetic location: 11q23.3.
Variant type: single nucleotide variant.
Coding change: c.388A>G on transcript NM_005188.4 (MANE Select); coding-DNA position 388, A replaced by G.
Protein change: p.Ile130Val; replaces isoleucine 130 with valine.
Molecular consequence: missense variant.
Genome position (GRCh38, 1-based): chr11:119,232,640, A>G. VCF-style: chr11-119232640-A-G. GRCh37 (hg19) VCF-style: chr11-119103350-A-G.
Other names: c.388A>G (NM_005188.2); short protein forms I130V.
Identifiers: ClinVar variation 133815 (VCV000133815.2), dbSNP rs587778161, ClinGen allele CA157875.

ClinVar aggregate classification (germline): Uncertain significance. Review status: criteria provided, single submitter (1 of 4 stars). 2 submissions from 2 submitters: Uncertain significance (1). 1 of the submissions does not count toward it. Last evaluated 2025-04-18.

Conditions:
Cardiovascular phenotype. Identifiers: MedGen CN230736.

Allele frequency attached by ClinVar (database versions not stated): gnomAD 0.00001.
gnomAD v4.1: 1 of 1,613,822 alleles (0.000062%); highest among the groups gnomAD compares: African/African-American, 0.0013%; no homozygotes.

Submissions (2):

Ambry Genetics
Classification: Uncertain significance for Cardiovascular phenotype. Last evaluated: 2025-04-18. Review status: criteria provided, single submitter. Criteria: Ambry Variant Classification Scheme 2023. Collection method: clinical testing. Allele origin: germline.
Comment: The p.I130V variant (also known as c.388A>G), located in coding exon 2 of the CBL gene, results from an A to G substitution at nucleotide position 388. The isoleucine at codon 130 is replaced by valine, an amino acid with highly similar properties. This amino acid position is conserved. In addition, the in silico prediction for this alteration is inconclusive. Based on the available evidence, the clinical significance of this variant remains unclear.

ITMI
No classification provided. Condition: AllHighlyPenetrant. Last evaluated: 2013-09-19. Review status: no classification provided. Collection method: reference population. Allele origin: germline. Not counted in ClinVar's aggregate classification.
Comment: Please see associated publication for description of ethnicities

Literature cited by the submitters: PubMed 24728327 (cited by ITMI).